The following is an entry in ClinVar:

NM_001009999.3(KDM1A):c.1084A>G (p.Met362Val)

Gene: KDM1A (lysine demethylase 1A; plus strand). Cytogenetic location: 1p36.12.
Variant type: single nucleotide variant.
Coding change: c.1084A>G on transcript NM_001009999.3 (MANE Select); coding-DNA position 1084, A replaced by G.
Protein change: p.Met362Val; replaces methionine 362 with valine.
Molecular consequence: missense variant.
Genome position (GRCh38, 1-based): chr1:23,059,084, A>G. VCF-style: chr1-23059084-A-G. GRCh37 (hg19) VCF-style: chr1-23385577-A-G.
Other names: c.1024A>G, p.Met342Val (NM_001363654.2, NM_001410763.1, NM_015013.4); c.1084A>G, p.Met362Val (NM_001410762.1); short protein forms M362V, M342V.
Identifiers: ClinVar variation 3863266 (VCV003863266.1).
Genomic context (GRCh38, chr1:23,059,084, plus strand): 5'-TTCTCTCTTCATAGGTCTATTGAATTTAATTGCTTGAGTTTTTTTCTAGGAGGGAATCCT[A>G]TGGCTGTGGTCAGCAAACAAGTAAATATGGAACTGGCCAAGATCAAGCAAAAATGCCCAC-3'
Protein context (NP_001009999.1, residues 352-372): MVVTGLGGNP[Met362Val]AVVSKQVNME

ClinVar aggregate classification (germline): Uncertain significance (1 of 4 stars; one submission).

Conditions:
Inborn genetic diseases. Identifiers: MedGen C0950123, MeSH D030342.

gnomAD v4.1: 4 of 1,609,748 alleles (0.00025%); highest among the groups gnomAD compares: Non-Finnish European, 0.000085%; no homozygotes.

Submission:

Ambry Genetics
Classification: Uncertain significance for Inborn genetic diseases. Last evaluated: 2025-01-14. Review status: criteria provided, single submitter. Criteria: Ambry Variant Classification Scheme 2023. Collection method: clinical testing. Allele origin: germline.
Comment: The p.M362V variant (also known as c.1084A>G), located in coding exon 9 of the KDM1A gene, results from an A to G substitution at nucleotide position 1084. The methionine at codon 362 is replaced by valine, an amino acid with highly similar properties. This amino acid position is conserved. In addition, this alteration is predicted to be deleterious by in silico analysis. Based on the available evidence, the clinical significance of this variant remains unclear.